The following is an entry in ClinVar:

ClinVar aggregate classification (germline): Uncertain significance (1 of 4 stars; one submission).

Conditions:
Joubert syndrome. Also called: CEREBELLOPARENCHYMAL DISORDER IV; JOUBERT-BOLTSHAUSER SYNDROME; Familial aplasia of the vermis. Identifiers: Orphanet 475, MedGen C5979921, MONDO:0018772.
Meckel-Gruber syndrome. Also called: DYSENCEPHALIA SPLANCHNOCYSTICA; GRUBER SYNDROME; Dysencephalia splachnocystica. Identifiers: Orphanet 564, MedGen C0265215, MONDO:0018921.

Submission:

Labcorp Genetics (formerly Invitae), Labcorp
Classification: Uncertain significance for Joubert syndrome; Meckel-Gruber syndrome. Last evaluated: 2022-08-06. Review status: criteria provided, single submitter. Criteria: Invitae Variant Classification Sherloc (09022015). Collection method: clinical testing. Allele origin: germline.
Comment: This variant has not been reported in the literature in individuals affected with RPGRIP1L-related conditions. Algorithms developed to predict the effect of missense changes on protein structure and function are either unavailable or do not agree on the potential impact of this missense change (SIFT: "Tolerated"; PolyPhen-2: "Benign"; Align-GVGD: "Class C25"). In summary, the available evidence is currently insufficient to determine the role of this variant in disease. Therefore, it has been classified as a Variant of Uncertain Significance. This variant is not present in population databases (gnomAD no frequency). This sequence change replaces tyrosine, which is neutral and polar, with cysteine, which is neutral and slightly polar, at codon 1208 of the RPGRIP1L protein (p.Tyr1208Cys).

NM_015272.5(RPGRIP1L):c.3623A>G (p.Tyr1208Cys)

Gene: RPGRIP1L (RPGRIP1 like; minus strand). Cytogenetic location: 16q12.2.
Variant type: single nucleotide variant.
Coding change: c.3623A>G on transcript NM_015272.5 (MANE Select); coding-DNA position 3623, A replaced by G.
Protein change: p.Tyr1208Cys; replaces tyrosine 1208 with cysteine.
Molecular consequence: missense variant.
Genome position (GRCh38, 1-based): chr16:53,611,045, T>C on the plus strand (A>G on the coding strand, the complement: RPGRIP1L is on the minus strand). VCF-style: chr16-53611045-T-C. GRCh37 (hg19) VCF-style: chr16-53644957-T-C.
Other names: c.3383A>G, p.Tyr1128Cys (NM_001127897.4); c.3485A>G, p.Tyr1162Cys (NM_001308334.3); c.3521A>G, p.Tyr1174Cys (NM_001330538.2); short protein forms Y1208C, Y1128C, Y1162C, Y1174C.
Identifiers: ClinVar variation 1984023 (VCV001984023.4), dbSNP rs2543721351, ClinGen allele CA395922501.
Genomic context (GRCh38, chr16:53,611,045, plus strand): 5'-TGTTTTTGTAGTATAGCTTTTAAGATGTCTCTCTTTGCTTTGTTGTTTTCTTTATCCACG[T>C]AGATCACTATACCAAAAGAAAAAAAAATGCCAAAAAGGAAGTCACTCAGGAATAGGCTAC-3'
Protein context (NP_056087.2, residues 1198-1218): WVYYNYSNVI[Tyr1208Cys]VDKENNKAKR